The following is an entry in ClinVar:

NM_001267550.2(TTN):c.52243G>T (p.Asp17415Tyr)

Genes: TTN (titin; minus strand), TTN-AS1 (TTN antisense RNA 1; plus strand). Cytogenetic location: 2q31.2.
Variant type: single nucleotide variant.
Coding change: c.52243G>T on transcript NM_001267550.2 (MANE Select); coding-DNA position 52243, G replaced by T.
Protein change: p.Asp17415Tyr; replaces aspartic acid 17415 with tyrosine.
Molecular consequence: missense variant.
Genome position (GRCh38, 1-based): chr2:178,608,768, C>A on the plus strand (G>T on the coding strand, the complement: TTN is on the minus strand). VCF-style: chr2-178608768-C-A. GRCh37 (hg19) VCF-style: chr2-179473495-C-A.
Other names: c.47320G>T, p.Asp15774Tyr (NM_001256850.1); c.25048G>T, p.Asp8350Tyr (NM_003319.4); c.44539G>T, p.Asp14847Tyr (NM_133378.4); c.25423G>T, p.Asp8475Tyr (NM_133432.3); c.25624G>T, p.Asp8542Tyr (NM_133437.4); short protein forms D14847Y, D15774Y, D17415Y, D8350Y, D8475Y, D8542Y.
Identifiers: ClinVar variation 3390753 (VCV003390753.1).
Genomic context (GRCh38, chr2:178,608,768, plus strand): 5'-GTTTTGTTACTGAATATTTGCAATGTCTAAGTGTTGAAGTGACAACAATCCATTCTGAGT[C>A]GGGTTTTGTCTTGTCTTTCTTTTCCAAAGTGTAGTTTATGATTTCACTGCCACCATCATC-3'
Protein context (NP_001254479.2, residues 17405-17425): TLEKKDKTKP[Asp17415Tyr]SEWIVVTSTL

ClinVar aggregate classification (germline): Uncertain significance (1 of 4 stars; one submission).

gnomAD v4.1: 1 of 1,612,518 alleles (0.000062%); highest among the groups gnomAD compares: Non-Finnish European, 0.000085%; no homozygotes.

Submission:

GeneDx
Classification: Uncertain significance. Last evaluated: 2024-06-12. Review status: criteria provided, single submitter. Criteria: GeneDx Variant Classification Process June 2021. Collection method: clinical testing. Allele origin: germline. Affected: yes.
Comment: Not observed at significant frequency in large population cohorts (gnomAD); Missense variant in a gene in which most reported pathogenic variants are truncating/loss of function; Has not been previously published as pathogenic or benign to our knowledge